The following is an entry in ClinVar:

ClinVar aggregate classification (germline): Pathogenic (1 of 4 stars; one submission).

Submission:

GeneDx
Classification: Pathogenic. Last evaluated: 2023-02-22. Review status: criteria provided, single submitter. Criteria: GeneDx Variant Classification Process June 2021. Collection method: clinical testing. Allele origin: germline. Affected: yes.
Comment: Nonsense variant predicted to result in protein truncation or nonsense mediated decay in a gene for which loss of function is a known mechanism of disease; Not observed at significant frequency in large population cohorts (gnomAD); Has not been previously published as pathogenic or benign to our knowledge

NM_001197104.2(KMT2A):c.9103C>T (p.Gln3035Ter)

Gene: KMT2A (lysine methyltransferase 2A; plus strand). Cytogenetic location: 11q23.3.
Variant type: single nucleotide variant.
Coding change: c.9103C>T on transcript NM_001197104.2 (MANE Select); coding-DNA position 9103, C replaced by T.
Protein change: p.Gln3035Ter; replaces glutamine 3035 with a stop codon.
Molecular consequence: nonsense.
Genome position (GRCh38, 1-based): chr11:118,504,995, C>T. VCF-style: chr11-118504995-C-T. GRCh37 (hg19) VCF-style: chr11-118375710-C-T.
Other names: c.9193C>T, p.Gln3065Ter (NM_001412597.1); c.9094C>T, p.Gln3032Ter (NM_005933.4); short protein forms Q3032*, Q3035*, Q3065*.
Identifiers: ClinVar variation 2577721 (VCV002577721.1), dbSNP rs2134402966, ClinGen allele CA382818383.